The following is an entry in ClinVar:

ClinVar aggregate classification (germline): Uncertain significance (1 of 4 stars; one submission).

Allele frequency attached by ClinVar (database versions not stated): gnomAD 0.00001; ExAC 0.00003; gnomAD exomes 0.00004.
gnomAD v4.1: 61 of 1,610,746 alleles (0.0038%); highest among the groups gnomAD compares: Non-Finnish European, 0.0052%; no homozygotes.

Submission:

Labcorp Genetics (formerly Invitae), Labcorp
Classification: Uncertain significance. Last evaluated: 2024-01-28. Review status: criteria provided, single submitter. Criteria: Invitae Variant Classification Sherloc (09022015). Collection method: clinical testing. Allele origin: germline.
Comment: This sequence change replaces glutamic acid, which is acidic and polar, with aspartic acid, which is acidic and polar, at codon 532 of the RELA protein (p.Glu532Asp). This variant is present in population databases (rs754755213, gnomAD 0.003%). This variant has not been reported in the literature in individuals affected with RELA-related conditions. An algorithm developed to predict the effect of missense changes on protein structure and function (PolyPhen-2) suggests that this variant is likely to be tolerated. In summary, the available evidence is currently insufficient to determine the role of this variant in disease. Therefore, it has been classified as a Variant of Uncertain Significance.

NM_021975.4(RELA):c.1596A>T (p.Glu532Asp)

Gene: RELA (RELA proto-oncogene, NF-kB subunit; minus strand). Cytogenetic location: 11q13.1.
Variant type: single nucleotide variant.
Coding change: c.1596A>T on transcript NM_021975.4 (MANE Select); coding-DNA position 1596, A replaced by T.
Protein change: p.Glu532Asp; replaces glutamic acid 532 with aspartic acid.
Molecular consequence: missense variant.
Genome position (GRCh38, 1-based): chr11:65,654,438, T>A on the plus strand (A>T on the coding strand, the complement: RELA is on the minus strand). VCF-style: chr11-65654438-T-A. GRCh37 (hg19) VCF-style: chr11-65421909-T-A.
Other names: c.1587A>T, p.Glu529Asp (NM_001145138.2); c.1389A>T, p.Glu463Asp (NM_001243984.2); c.1287A>T, p.Glu429Asp (NM_001243985.2); c.1629A>T, p.Glu543Asp (NM_001404657.1); c.1569A>T, p.Glu523Asp (NM_001404658.1); c.1383A>T, p.Glu461Asp (NM_001404659.1); c.1278A>T, p.Glu426Asp (NM_001404660.1); c.1215A>T, p.Glu405Asp (NM_001404661.1); and 1 more; short protein forms E532D, E405D, E426D, E461D, E463D, E429D, E501D, E523D.
Identifiers: ClinVar variation 2917741 (VCV002917741.3), dbSNP rs754755213, ClinGen allele CA6106570.